The following is an entry in ClinVar:

NM_004946.3(DOCK2):c.3211C>T (p.Arg1071Cys)

Gene: DOCK2 (dedicator of cytokinesis 2; plus strand). Cytogenetic location: 5q35.1.
Variant type: single nucleotide variant.
Coding change: c.3211C>T on transcript NM_004946.3 (MANE Select); coding-DNA position 3211, C replaced by T.
Protein change: p.Arg1071Cys; replaces arginine 1071 with cysteine.
Molecular consequence: missense variant. On other transcripts: non-coding transcript variant (1).
Genome position (GRCh38, 1-based): chr5:170,008,725, C>T. VCF-style: chr5-170008725-C-T. GRCh37 (hg19) VCF-style: chr5-169435729-C-T.
Other names: c.3211C>T (NM_004946.2); short protein forms R1071C.
Identifiers: ClinVar variation 2054786 (VCV002054786.2), dbSNP rs764907652, ClinGen allele CA3554140.

ClinVar aggregate classification (germline): Uncertain significance. Review status: criteria provided, multiple submitters, no conflicts (2 of 4 stars). 2 submissions from 2 submitters: Uncertain significance (2). Last evaluated 2025-04-24.

Conditions:
Inborn genetic diseases. Identifiers: MedGen C0950123, MeSH D030342.
DOCK2 deficiency. Also called: Immunodeficiency 40. Identifiers: Orphanet 447737, MedGen C4225328, MONDO:0014637, OMIM 616433.

Allele frequency attached by ClinVar (database versions not stated): TOPMed below 0.00001; ExAC 0.00002; gnomAD exomes 0.00004; gnomAD 0.00001.
gnomAD v4.1: 60 of 1,613,882 alleles (0.0037%); highest among the groups gnomAD compares: Non-Finnish European, 0.0048%; no homozygotes.

Submissions (2):

Ambry Genetics
Classification: Uncertain significance for Inborn genetic diseases. Last evaluated: 2025-04-24. Review status: criteria provided, single submitter. Criteria: Ambry Variant Classification Scheme 2023. Collection method: clinical testing. Allele origin: germline.

Labcorp Genetics (formerly Invitae), Labcorp
Classification: Uncertain significance for DOCK2 deficiency. Last evaluated: 2022-06-07. Review status: criteria provided, single submitter. Criteria: Invitae Variant Classification Sherloc (09022015). Collection method: clinical testing. Allele origin: germline.
Comment: This sequence change replaces arginine, which is basic and polar, with cysteine, which is neutral and slightly polar, at codon 1071 of the DOCK2 protein (p.Arg1071Cys). This variant is present in population databases (rs764907652, gnomAD 0.003%). This variant has not been reported in the literature in individuals affected with DOCK2-related conditions. Algorithms developed to predict the effect of missense changes on protein structure and function are either unavailable or do not agree on the potential impact of this missense change (SIFT: "Deleterious"; PolyPhen-2: "Probably Damaging"; Align-GVGD: "Class C0"). In summary, the available evidence is currently insufficient to determine the role of this variant in disease. Therefore, it has been classified as a Variant of Uncertain Significance.